The following is an entry in ClinVar:

ClinVar aggregate classification (germline): Likely benign. Review status: criteria provided, multiple submitters, no conflicts (2 of 4 stars). 5 submissions from 5 submitters: Likely benign (5). Last evaluated 2026-05-01.

Conditions:
TUBGCP6-related disorder. Also called: TUBGCP6-related condition.

Allele frequency attached by ClinVar (database versions not stated): ESP Exome Variant Server 0.00015; gnomAD exomes 0.00017 and 0.00018; ExAC 0.00021; gnomAD 0.00024 and 0.00026.
gnomAD v4.1: 281 of 1,610,114 alleles (0.017%); highest among the groups gnomAD compares: Middle Eastern, 0.05%; no homozygotes.

Submissions (5):

CeGaT Center for Human Genetics Tuebingen
Classification: Likely benign. Last evaluated: 2026-05-01. Review status: criteria provided, single submitter. Criteria: CeGaT Center For Human Genetics Tuebingen Variant Classification Criteria Version 2. Collection method: clinical testing. Allele origin: germline. Affected: yes. Observed: 1 variant allele.
Comment: TUBGCP6: BP4, BP7

Labcorp Genetics (formerly Invitae), Labcorp
Classification: Likely benign. Last evaluated: 2025-06-08. Review status: criteria provided, single submitter. Criteria: Invitae Variant Classification Sherloc (09022015). Collection method: clinical testing. Allele origin: germline.

PreventionGenetics, part of Exact Sciences
Classification: Likely benign for TUBGCP6-related condition. Last evaluated: 2025-01-24. Review status: criteria provided, single submitter. Criteria: ACMG Guidelines, 2015. Collection method: clinical testing. Allele origin: germline.
Comment: This variant is classified as likely benign based on ACMG/AMP sequence variant interpretation guidelines (Richards et al. 2015 PMID: 25741868, with internal and published modifications).

Blueprint Genetics
Classification: Likely benign. Last evaluated: 2024-03-28. Review status: criteria provided, single submitter. Criteria: ACMG Guidelines, 2015. Collection method: clinical testing. Allele origin: germline.

Breakthrough Genomics
Classification: Likely benign. Review status: criteria provided, single submitter. Criteria: ACMG Guidelines, 2015. Collection method: not provided. Allele origin: germline. Inheritance: Autosomal recessive inheritance. Affected: yes.

NM_020461.4(TUBGCP6):c.3489C>T (p.His1163=)

Gene: TUBGCP6 (tubulin gamma complex component 6; minus strand). Cytogenetic location: 22q13.33.
Variant type: single nucleotide variant.
Coding change: c.3489C>T on transcript NM_020461.4 (MANE Select); coding-DNA position 3489, C replaced by T.
Protein change: p.His1163=; no amino-acid change (histidine 1163 retained).
Molecular consequence: synonymous variant.
Genome position (GRCh38, 1-based): chr22:50,220,870, G>A on the plus strand (C>T on the coding strand, the complement: TUBGCP6 is on the minus strand). VCF-style: chr22-50220870-G-A. GRCh37 (hg19) VCF-style: chr22-50659299-G-A.
Other names: c.3489C>T (NM_020461.3).
Identifiers: ClinVar variation 1154621 (VCV001154621.14), dbSNP rs147590381, ClinGen allele CA10307932.